The following is an entry in ClinVar:

NM_001130438.3(SPTAN1):c.2137G>A (p.Val713Met)

Gene: SPTAN1 (spectrin alpha, non-erythrocytic 1; plus strand). Cytogenetic location: 9q34.11.
Variant type: single nucleotide variant.
Coding change: c.2137G>A on transcript NM_001130438.3 (MANE Select); coding-DNA position 2137, G replaced by A.
Protein change: p.Val713Met; replaces valine 713 with methionine.
Molecular consequence: missense variant.
Genome position (GRCh38, 1-based): chr9:128,583,913, G>A. VCF-style: chr9-128583913-G-A. GRCh37 (hg19) VCF-style: chr9-131346192-G-A.
Other names: c.2137G>A, p.Val713Met (NM_001195532.2, NM_001363759.2, NM_001363765.2 and 10 more transcripts); c.2173G>A, p.Val725Met (NM_001375312.2, NM_001375318.1, NM_001438440.1); short protein forms V713M, V725M.
Identifiers: ClinVar variation 4538836 (VCV004538836.1).
Genomic context (GRCh38, chr9:128,583,913, plus strand): 5'-TGGCTATATGAAGTAGAAGGTCACTTGGCTTCGGATGATTACGGCAAAGATCTTACCAAT[G>A]TGCAGAACCTCCAGAAGAAACATGCACTGCTAGAGGCAGATGTGGCTGCTCACCAGGTAG-3'
Protein context (NP_001123910.1, residues 703-723): SDDYGKDLTN[Val713Met]QNLQKKHALL

ClinVar aggregate classification (germline): Uncertain significance (1 of 4 stars; one submission).

gnomAD v4.1: 1 of 1,614,216 alleles (0.000062%); highest among the groups gnomAD compares: Non-Finnish European, 0.000085%; no homozygotes.

Submission:

GeneDx
Classification: Uncertain significance. Last evaluated: 2025-06-16. Review status: criteria provided, single submitter. Criteria: GeneDx Variant Classification Process June 2021. Collection method: clinical testing. Allele origin: germline. Affected: yes.
Comment: Not observed at significant frequency in large population cohorts (gnomAD); In silico analysis supports that this missense variant has a deleterious effect on protein structure/function; Has not been previously published as pathogenic or benign to our knowledge